The following is an entry in ClinVar:

ClinVar aggregate classification (germline): Likely benign. Review status: criteria provided, multiple submitters, no conflicts (2 of 4 stars). 3 submissions from 3 submitters: Likely benign (3). Last evaluated 2025-08-29.

Conditions:
Ataxia-telangiectasia syndrome (AT). Also called: Cerebello-oculocutaneous telangiectasia; Immunodeficiency with ataxia telangiectasia; Ataxia-telangiectasia, complementation group D; AT, COMPLEMENTATION GROUP C; ATAXIA-TELANGIECTASIA, COMPLEMENTATION GROUP A; ATAXIA-TELANGIECTASIA, FRESNO VARIANT. Identifiers: Orphanet 100, MedGen C0004135, MONDO:0008840, OMIM 208900.
Familial cancer of breast. Also called: hereditary breast carcinoma; Hereditary breast cancer; BREAST CANCER, FAMILIAL. Identifiers: Orphanet 227535, MedGen C0346153, MONDO:0016419, OMIM 114480. Disease mechanism: loss of function.

Submissions (3):

Labcorp Genetics (formerly Invitae), Labcorp
Classification: Likely benign for Ataxia-telangiectasia syndrome. Last evaluated: 2025-08-29. Review status: criteria provided, single submitter. Criteria: Invitae Variant Classification Sherloc (09022015). Collection method: clinical testing. Allele origin: germline.

Myriad Genetics, Inc.
Classification: Likely benign for Familial cancer of breast. Last evaluated: 2024-04-23. Review status: criteria provided, single submitter. Criteria: Myriad Autosomal Dominant, Autosomal Recessive and X-Linked Classification Criteria (2023). Collection method: clinical testing. Allele origin: unknown.
Comment: This variant is considered likely benign. This variant is intronic and is not expected to impact mRNA splicing.

GeneDx
Classification: Likely benign. Last evaluated: 2019-04-24. Review status: criteria provided, single submitter. Criteria: GeneDx Variant Classification Process June 2021. Collection method: clinical testing. Allele origin: germline. Affected: yes.

NM_000051.4(ATM):c.902-10T>C

Gene: ATM (ATM serine/threonine kinase; plus strand). Cytogenetic location: 11q22.3.
Variant type: single nucleotide variant.
Coding change: c.902-10T>C on transcript NM_000051.4 (MANE Select); 10 bases into the intron before coding-DNA position 902, T replaced by C.
Molecular consequence: intron variant.
Genome position (GRCh38, 1-based): chr11:108,246,954, T>C. VCF-style: chr11-108246954-T-C. GRCh37 (hg19) VCF-style: chr11-108117681-T-C.
Other names: c.902-10T>C (NM_001351834.2).
Identifiers: ClinVar variation 1097060 (VCV001097060.13), dbSNP rs2135264378, ClinGen allele CA2499220553.